The following is an entry in ClinVar:

ClinVar aggregate classification (germline): Likely benign (0 of 4 stars; one submission).

Conditions:
PROK2-related disorder. Also called: PROK2-related condition.

Submission:

PreventionGenetics, part of Exact Sciences
Classification: Likely benign for PROK2-related condition. Last evaluated: 2023-10-17. Review status: no assertion criteria provided. Collection method: clinical testing. Allele origin: germline.
Comment: This variant is classified as likely benign based on ACMG/AMP sequence variant interpretation guidelines (Richards et al. 2015 PMID: 25741868, with internal and published modifications).

NM_001126128.2(PROK2):c.286-5T>A

Gene: PROK2 (prokineticin 2; minus strand). Cytogenetic location: 3p13.
Variant type: single nucleotide variant.
Coding change: c.286-5T>A on transcript NM_001126128.2 (MANE Select); 5 bases into the intron before coding-DNA position 286, T replaced by A.
Molecular consequence: intron variant.
Genome position (GRCh38, 1-based): chr3:71,772,833, A>T on the plus strand (T>A on the coding strand, the complement: PROK2 is on the minus strand). VCF-style: chr3-71772833-A-T. GRCh37 (hg19) VCF-style: chr3-71821984-A-T.
Other names: c.223-5T>A (NM_021935.4).
Identifiers: ClinVar variation 3348052 (VCV003348052.1).